The following is an entry in ClinVar:

NM_001376.5(DYNC1H1):c.13396C>T (p.His4466Tyr)

Gene: DYNC1H1 (dynein cytoplasmic 1 heavy chain 1; plus strand). Cytogenetic location: 14q32.31.
Variant type: single nucleotide variant.
Coding change: c.13396C>T on transcript NM_001376.5 (MANE Select); coding-DNA position 13396, C replaced by T.
Protein change: p.His4466Tyr; replaces histidine 4466 with tyrosine.
Molecular consequence: missense variant.
Genome position (GRCh38, 1-based): chr14:102,049,463, C>T. VCF-style: chr14-102049463-C-T. GRCh37 (hg19) VCF-style: chr14-102515800-C-T.
Other names: short protein forms H4466Y.
Identifiers: ClinVar variation 1419023 (VCV001419023.8), dbSNP rs1431567490, ClinGen allele CA391049005.

ClinVar aggregate classification (germline): Uncertain significance (1 of 4 stars; one submission).

Conditions:
Charcot-Marie-Tooth disease axonal type 2O. Also called: CHARCOT-MARIE-TOOTH NEUROPATHY, AXONAL, TYPE 2O; CHARCOT-MARIE-TOOTH DISEASE, AXONAL, AUTOSOMAL DOMINANT, TYPE 2O; Charcot-Marie-Tooth Neuropathy Type 2O; Charcot-Marie-Tooth disease, axonal, type 20. Identifiers: Orphanet 284232, MedGen C3280220, MONDO:0013644, OMIM 614228.

Allele frequency attached by ClinVar (database versions not stated): gnomAD 0.00001; gnomAD exomes 0.00001; TOPMed 0.00001.
gnomAD v4.1: 19 of 1,614,068 alleles (0.0012%); highest among the groups gnomAD compares: African/African-American, 0.004%; no homozygotes.

Submission:

Labcorp Genetics (formerly Invitae), Labcorp
Classification: Uncertain significance for Charcot-Marie-Tooth disease axonal type 2O. Last evaluated: 2021-04-02. Review status: criteria provided, single submitter. Criteria: Invitae Variant Classification Sherloc (09022015). Collection method: clinical testing. Allele origin: germline.
Comment: In summary, the available evidence is currently insufficient to determine the role of this variant in disease. Therefore, it has been classified as a Variant of Uncertain Significance. Advanced modeling of protein sequence and biophysical properties (such as structural, functional, and spatial information, amino acid conservation, physicochemical variation, residue mobility, and thermodynamic stability) performed at Invitae indicates that this missense variant is not expected to disrupt DYNC1H1 protein function. This variant has not been reported in the literature in individuals with DYNC1H1-related conditions. This variant is not present in population databases (ExAC no frequency). This sequence change replaces histidine with tyrosine at codon 4466 of the DYNC1H1 protein (p.His4466Tyr). The histidine residue is moderately conserved and there is a moderate physicochemical difference between histidine and tyrosine.